The following is an entry in ClinVar:

NM_006904.7(PRKDC):c.594C>T (p.Arg198=)

Gene: PRKDC (protein kinase, DNA-activated, catalytic subunit; minus strand). Cytogenetic location: 8q11.21.
Variant type: single nucleotide variant.
Coding change: c.594C>T on transcript NM_006904.7 (MANE Select); coding-DNA position 594, C replaced by T.
Protein change: p.Arg198=; no amino-acid change (arginine 198 retained).
Molecular consequence: synonymous variant.
Genome position (GRCh38, 1-based): chr8:47,953,834, G>A on the plus strand (C>T on the coding strand, the complement: PRKDC is on the minus strand). VCF-style: chr8-47953834-G-A. GRCh37 (hg19) VCF-style: chr8-48866394-G-A.
Other names: c.594C>T, p.Arg198= (NM_001081640.2).
Identifiers: ClinVar variation 513590 (VCV000513590.15), dbSNP rs550250358, ClinGen allele CA4741988.

ClinVar aggregate classification (germline): Likely benign. Review status: criteria provided, multiple submitters, no conflicts (2 of 4 stars). 5 submissions from 5 submitters: Likely benign (4). 1 of the submissions does not count toward it. Last evaluated 2025-05-06.

Conditions:
PRKDC-related disorder. Also called: PRKDC-related condition.
Severe combined immunodeficiency due to DNA-PKcs deficiency. Also called: Immunodeficiency 26 with or without neurologic abnormalities; IMMUNODEFICIENCY 26 WITH NEUROLOGIC ABNORMALITIES. Identifiers: Orphanet 317425, MedGen C4014833, MONDO:0014423, OMIM 615966.

Allele frequency attached by ClinVar (database versions not stated): gnomAD exomes 0.00004 and 0.00005; gnomAD 0.00005 and 0.00006; TOPMed 0.00005; 1000 Genomes Project 30x 0.00016; 1000 Genomes Project 0.00020; ExAC 0.00021.
gnomAD v4.1: 70 of 1,571,600 alleles (0.0045%); highest among the groups gnomAD compares: Middle Eastern, 0.017%; no homozygotes.

Submissions (5):

Labcorp Genetics (formerly Invitae), Labcorp
Classification: Likely benign for Severe combined immunodeficiency due to DNA-PKcs deficiency. Last evaluated: 2025-05-06. Review status: criteria provided, single submitter. Criteria: Invitae Variant Classification Sherloc (09022015). Collection method: clinical testing. Allele origin: germline.

Ambry Genetics
Classification: Likely benign. Last evaluated: 2022-02-12. Review status: criteria provided, single submitter. Criteria: Ambry Variant Classification Scheme 2023. Collection method: clinical testing. Allele origin: germline.

Blueprint Genetics
Classification: Likely benign. Last evaluated: 2021-02-26. Review status: criteria provided, single submitter. Criteria: ACMG Guidelines, 2015. Collection method: clinical testing. Allele origin: germline.

GeneDx
Classification: Likely benign. Last evaluated: 2017-11-27. Review status: criteria provided, single submitter. Criteria: GeneDx Variant Classification (06012015). Collection method: clinical testing. Allele origin: germline. Affected: yes.
Comment: This variant is considered likely benign or benign based on one or more of the following criteria: it is a conservative change, it occurs at a poorly conserved position in the protein, it is predicted to be benign by multiple in silico algorithms, and/or has population frequency not consistent with disease.

PreventionGenetics, part of Exact Sciences
Classification: Likely benign for PRKDC-related condition. Last evaluated: 2019-04-12. Review status: no assertion criteria provided. Collection method: clinical testing. Allele origin: germline. Not counted in ClinVar's aggregate classification.
Comment: This variant is classified as likely benign based on ACMG/AMP sequence variant interpretation guidelines (Richards et al. 2015 PMID: 25741868, with internal and published modifications).